The following is an entry in ClinVar:

NM_012309.5(SHANK2):c.1646G>A (p.Arg549His)

Gene: SHANK2 (SH3 and multiple ankyrin repeat domains 2; minus strand). Cytogenetic location: 11q13.4.
Variant type: single nucleotide variant.
Coding change: c.1646G>A on transcript NM_012309.5 (MANE Select); coding-DNA position 1646, G replaced by A.
Protein change: p.Arg549His; replaces arginine 549 with histidine.
Molecular consequence: missense variant.
Genome position (GRCh38, 1-based): chr11:70,807,019, C>T on the plus strand (G>A on the coding strand, the complement: SHANK2 is on the minus strand). VCF-style: chr11-70807019-C-T. GRCh37 (hg19) VCF-style: chr11-70653124-C-T.
Other names: c.509G>A, p.Arg170His (NM_001379226.1); short protein forms R170H, R549H.
Identifiers: ClinVar variation 1675467 (VCV001675467.33), dbSNP rs377433895, ClinGen allele CA6161793.

ClinVar aggregate classification (germline): Uncertain significance (1 of 4 stars; one submission).

Allele frequency attached by ClinVar (database versions not stated): gnomAD 0.00001; gnomAD exomes 0.00001 and 0.00002; TOPMed 0.00003; ExAC 0.00005; ESP Exome Variant Server 0.00022.
gnomAD v4.1: 7 of 717,558 alleles (0.00098%); highest among the groups gnomAD compares: Non-Finnish European, 0.0016%; no homozygotes.

Submission:

CeGaT Center for Human Genetics Tuebingen
Classification: Uncertain significance. Last evaluated: 2022-03-01. Review status: criteria provided, single submitter. Criteria: CeGaT Center For Human Genetics Tuebingen Variant Classification Criteria Version 2. Collection method: clinical testing. Allele origin: germline. Affected: yes. Observed: 1 variant allele.
Comment: SHANK2: PM2